The following is an entry in ClinVar:

ClinVar aggregate classification (germline): Uncertain significance. Review status: criteria provided, multiple submitters, no conflicts (2 of 4 stars). 6 submissions from 6 submitters: Uncertain significance (4). 2 of the submissions do not count toward it. Last evaluated 2024-09-03.

Conditions:
Cardiovascular phenotype. Identifiers: MedGen CN230736.
Retinal dystrophy. Also called: Inherited retinal dystrophy. Identifiers: Orphanet 71862, MedGen C0854723, MeSH D058499, MONDO:0019118, HP:0000556.
Alstrom syndrome (ALMS). Identifiers: Orphanet 64, MedGen C0268425, MONDO:0008763, OMIM 203800.

Allele frequency attached by ClinVar (database versions not stated): TOPMed 0.00001; gnomAD 0.00002 and 0.00003; gnomAD exomes 0.00005; ExAC 0.00007.
gnomAD v4.1: 84 of 1,613,982 alleles (0.0052%); highest among the groups gnomAD compares: Middle Eastern, 0.15%; no homozygotes.

Submissions (6):

Blueprint Genetics
Classification: Uncertain significance. Last evaluated: 2024-09-03. Review status: criteria provided, single submitter. Criteria: ACMG Guidelines, 2015. Collection method: clinical testing. Allele origin: germline.

Ambry Genetics
Classification: Uncertain significance for Cardiovascular phenotype. Last evaluated: 2023-08-01. Review status: criteria provided, single submitter. Criteria: Ambry Variant Classification Scheme 2023. Collection method: clinical testing. Allele origin: germline.
Comment: The p.Q3612R variant (also known as c.10835A>G), located in coding exon 16 of the ALMS1 gene, results from an A to G substitution at nucleotide position 10835. The glutamine at codon 3612 is replaced by arginine, an amino acid with highly similar properties. This variant was detected in an individual with Alstrom syndrome; however, clinical details were limited, and the zygosity of the variant was not specified (Marshall JD et al. Hum Mutat, 2007 Nov;28:1114-23). This amino acid position is well conserved in available vertebrate species. In addition, this alteration is predicted to be tolerated by in silico analysis. Since supporting evidence is limited at this time, the clinical significance of this alteration remains unclear.

Labcorp Genetics (formerly Invitae), Labcorp
Classification: Uncertain significance for Alstrom syndrome. Last evaluated: 2022-09-13. Review status: criteria provided, single submitter. Criteria: Invitae Variant Classification Sherloc (09022015). Collection method: clinical testing. Allele origin: germline.
Comment: This sequence change replaces glutamine, which is neutral and polar, with arginine, which is basic and polar, at codon 3612 of the ALMS1 protein (p.Gln3612Arg). This variant is present in population databases (rs45452795, gnomAD 0.04%). This variant has not been reported in the literature in individuals affected with ALMS1-related conditions. ClinVar contains an entry for this variant (Variation ID: 403951). Experimental studies and prediction algorithms are not available or were not evaluated, and the functional significance of this variant is currently unknown. In summary, the available evidence is currently insufficient to determine the role of this variant in disease. Therefore, it has been classified as a Variant of Uncertain Significance.

Genome-Nilou Lab
Classification: Uncertain significance for Alstrom syndrome. Last evaluated: 2021-05-18. Review status: criteria provided, single submitter. Criteria: ACMG Guidelines, 2015. Collection method: clinical testing. Allele origin: germline. Affected: no.

Institute of Human Genetics, Univ. Regensburg, Univ. Regensburg
Classification: Uncertain significance for Retinal dystrophy. Last evaluated: 2023-01-01. Review status: no assertion criteria provided. Criteria: ACMG Guidelines, 2015. Collection method: clinical testing. Allele origin: germline. Affected: yes. Not counted in ClinVar's aggregate classification.

Natera, Inc.
Classification: Uncertain significance for Alstrom syndrome. Last evaluated: 2020-09-16. Review status: no assertion criteria provided. Collection method: clinical testing. Allele origin: germline. Not counted in ClinVar's aggregate classification.

Literature cited by the submitters: PubMed 17594715 (cited by Ambry Genetics).

NM_001378454.1(ALMS1):c.10832A>G (p.Gln3611Arg)

Gene: ALMS1 (ALMS1 centrosome and basal body associated protein; plus strand). Cytogenetic location: 2p13.1.
Variant type: single nucleotide variant.
Coding change: c.10832A>G on transcript NM_001378454.1 (MANE Select); coding-DNA position 10832, A replaced by G.
Protein change: p.Gln3611Arg; replaces glutamine 3611 with arginine.
Molecular consequence: missense variant.
Genome position (GRCh38, 1-based): chr2:73,572,709, A>G. VCF-style: chr2-73572709-A-G. GRCh37 (hg19) VCF-style: chr2-73799836-A-G.
Other names: c.10835A>G, p.Gln3612Arg (NM_015120.4); short protein forms Q3612R, Q3611R.
Identifiers: ClinVar variation 403951 (VCV000403951.14), dbSNP rs45452795, ClinGen allele CA1715069.